The following is an entry in ClinVar:

ClinVar aggregate classification (germline): Pathogenic (1 of 4 stars; one submission).

Submission:

Labcorp Genetics (formerly Invitae), Labcorp
Classification: Pathogenic. Last evaluated: 2025-09-29. Review status: criteria provided, single submitter. Criteria: Invitae Variant Classification Sherloc (09022015). Collection method: clinical testing. Allele origin: germline.
Comment: This sequence change creates a premature translational stop signal (p.Gln1648Profs*10) in the SPTB gene. It is expected to result in an absent or disrupted protein product. Loss-of-function variants in SPTB are known to be pathogenic (PMID: 1391962, 1498324, 8844207, 26830532, 27292444). This variant is not present in population databases (gnomAD no frequency). This variant has not been reported in the literature in individuals affected with SPTB-related conditions. For these reasons, this variant has been classified as Pathogenic.

Literature cited by the submitters: PubMed 1391962; PubMed 1498324; PubMed 8844207; PubMed 26830532; PubMed 27292444.

NM_001355436.2(SPTB):c.4942dup (p.Gln1648fs)

Gene: SPTB (spectrin beta, erythrocytic; minus strand). Cytogenetic location: 14q23.3.
Variant type: Duplication.
Coding change: c.4942dup on transcript NM_001355436.2 (MANE Select); coding-DNA position 4942, one base duplicated (C; older notation c.4942dupC).
Protein change: p.Gln1648fs; shifts the reading frame from glutamine 1648.
Molecular consequence: frameshift variant.
Genome position (GRCh38, 1-based): chr14:64,774,428, G duplicated on the plus strand (C on the coding strand, the reverse complement: SPTB is on the minus strand); the first of 3 consecutive G bases (chr14:64,774,428-64,774,430); duplicating any one gives the same sequence. VCF-style (leftmost placement, unchanged base first): chr14-64774427-T-TG. GRCh37 (hg19) VCF-style: chr14-65241145-T-TG.
Other names: c.4942dup, p.Gln1648fs (NM_001024858.4, NM_001355437.2); short protein forms Q1648fs.
Identifiers: ClinVar variation 4728061 (VCV004728061.1).